The following is an entry in ClinVar:

NM_006922.4(SCN3A):c.2118G>A (p.Val706=)

Gene: SCN3A (sodium voltage-gated channel alpha subunit 3; minus strand). Cytogenetic location: 2q24.3.
Variant type: single nucleotide variant.
Coding change: c.2118G>A on transcript NM_006922.4 (MANE Select); coding-DNA position 2118, G replaced by A.
Protein change: p.Val706=; no amino-acid change (valine 706 retained).
Molecular consequence: synonymous variant.
Genome position (GRCh38, 1-based): chr2:165,139,510, C>T on the plus strand (G>A on the coding strand, the complement: SCN3A is on the minus strand). VCF-style: chr2-165139510-C-T. GRCh37 (hg19) VCF-style: chr2-165996020-C-T.
Other names: p.Val706=; c.1971G>A, p.Val657= (NM_001081676.2, NM_001081677.2).
Identifiers: ClinVar variation 194396 (VCV000194396.18), dbSNP rs143450450, ClinGen allele CA214581.

ClinVar aggregate classification (germline): Benign. Review status: criteria provided, multiple submitters, no conflicts (2 of 4 stars). 5 submissions from 5 submitters: Benign (5). Last evaluated 2026-01-26.

Conditions:
SCN3A-related disorder. Also called: SCN3A-related condition.

Allele frequency attached by ClinVar (database versions not stated): ESP Exome Variant Server 0.00077; gnomAD 0.00160 and 0.00184; gnomAD exomes 0.00206 and 0.00350; TOPMed 0.00213; ExAC 0.00349; 1000 Genomes Project 30x 0.00422; 1000 Genomes Project 0.00459.
gnomAD v4.1: 3,317 of 1,613,952 alleles (0.21%); highest among the groups gnomAD compares: East Asian, 3.1%; 32 homozygotes.

Submissions (5):

Labcorp Genetics (formerly Invitae), Labcorp
Classification: Benign. Last evaluated: 2026-01-26. Review status: criteria provided, single submitter. Criteria: Invitae Variant Classification Sherloc (09022015). Collection method: clinical testing. Allele origin: germline.

PreventionGenetics, part of Exact Sciences
Classification: Benign for SCN3A-related condition. Last evaluated: 2024-12-10. Review status: criteria provided, single submitter. Criteria: ACMG Guidelines, 2015. Collection method: clinical testing. Allele origin: germline.
Comment: This variant is classified as benign based on ACMG/AMP sequence variant interpretation guidelines (Richards et al. 2015 PMID: 25741868, with internal and published modifications).

Mayo Clinic Laboratories, Mayo Clinic
Classification: Benign. Last evaluated: 2024-11-07. Review status: criteria provided, single submitter. Criteria: ACMG Guidelines, 2015. Collection method: clinical testing. Allele origin: germline. Observed: 1 variant allele.
Comment: BS1, BS2, BP4, BP7

Athena Diagnostics
Classification: Benign. Last evaluated: 2019-07-08. Review status: criteria provided, single submitter. Criteria: Athena Diagnostics Criteria. Collection method: clinical testing. Allele origin: germline.

Eurofins Ntd Llc (ga)
Classification: Benign. Last evaluated: 2015-05-04. Review status: criteria provided, single submitter. Criteria: EGL Classification Definitions 2015. Collection method: clinical testing. Allele origin: germline. Observed: 2 variant alleles, 2 heterozygotes.